The following is an entry in ClinVar:

NM_001606.5(ABCA2):c.942G>A (p.Ala314=)

Gene: ABCA2 (ATP binding cassette subfamily A member 2; minus strand). Cytogenetic location: 9q34.3.
Variant type: single nucleotide variant.
Coding change: c.942G>A on transcript NM_001606.5 (MANE Select); coding-DNA position 942, G replaced by A.
Protein change: p.Ala314=; no amino-acid change (alanine 314 retained).
Molecular consequence: synonymous variant.
Genome position (GRCh38, 1-based): chr9:137,021,017, C>T on the plus strand (G>A on the coding strand, the complement: ABCA2 is on the minus strand). VCF-style: chr9-137021017-C-T. GRCh37 (hg19) VCF-style: chr9-139915469-C-T.
Other names: c.939G>A, p.Ala313= (NM_001411042.1); c.1032G>A, p.Ala344= (NM_212533.3).
Identifiers: ClinVar variation 2659791 (VCV002659791.25), dbSNP rs200632052, ClinGen allele CA5355617.

ClinVar aggregate classification (germline): Likely benign. Review status: criteria provided, multiple submitters, no conflicts (2 of 4 stars). 2 submissions from 2 submitters: Likely benign (2). Last evaluated 2024-11-22.

Allele frequency attached by ClinVar (database versions not stated): 1000 Genomes Project 0.00060; 1000 Genomes Project 30x 0.00078; TOPMed 0.00112; gnomAD 0.00114; ESP Exome Variant Server 0.00118; ExAC 0.00139; gnomAD exomes 0.00194.
gnomAD v4.1: 2,731 of 1,487,428 alleles (0.18%); highest among the groups gnomAD compares: Non-Finnish European, 0.22%; 4 homozygotes.

Submissions (2):

Blueprint Genetics
Classification: Likely benign. Last evaluated: 2024-11-22. Review status: criteria provided, single submitter. Criteria: ACMG Guidelines, 2015. Collection method: clinical testing. Allele origin: germline.

CeGaT Center for Human Genetics Tuebingen
Classification: Likely benign. Last evaluated: 2023-12-01. Review status: criteria provided, single submitter. Criteria: CeGaT Center For Human Genetics Tuebingen Variant Classification Criteria Version 2. Collection method: clinical testing. Allele origin: germline. Affected: yes. Observed: 2 variant alleles.
Comment: ABCA2: BP4, BP7